The following is an entry in ClinVar:

NM_001458.5(FLNC):c.4003G>A (p.Val1335Met)

Gene: FLNC (filamin C; plus strand). Cytogenetic location: 7q32.1.
Variant type: single nucleotide variant.
Coding change: c.4003G>A on transcript NM_001458.5 (MANE Select); coding-DNA position 4003, G replaced by A.
Protein change: p.Val1335Met; replaces valine 1335 with methionine.
Molecular consequence: missense variant.
Genome position (GRCh38, 1-based): chr7:128,846,339, G>A. VCF-style: chr7-128846339-G-A. GRCh37 (hg19) VCF-style: chr7-128486393-G-A.
Other names: c.4003G>A, p.Val1335Met (NM_001127487.2); short protein forms V1335M.
Identifiers: ClinVar variation 839904 (VCV000839904.13), dbSNP rs368220468, ClinGen allele CA4475218.

ClinVar aggregate classification (germline): Uncertain significance. Review status: criteria provided, multiple submitters, no conflicts (2 of 4 stars). 3 submissions from 3 submitters: Uncertain significance (3). Last evaluated 2025-06-10.

Conditions:
Cardiovascular phenotype. Identifiers: MedGen CN230736.
Myofibrillar myopathy 5. Also called: Filaminopathy (type); FILAMINOPATHY, AUTOSOMAL DOMINANT. Identifiers: Orphanet 171445, MedGen C1836050, MONDO:0012289, OMIM 609524.
Dilated Cardiomyopathy, Dominant.
Hypertrophic cardiomyopathy 26. Also called: Cardiomyopathy, familial hypertrophic, 26. Identifiers: Orphanet 75249, MedGen C4310749, MONDO:0014883, OMIM 617047.
Distal myopathy with posterior leg and anterior hand involvement. Also called: WILLIAMS DISTAL MYOPATHY. Identifiers: Orphanet 63273, MedGen C3279722, MONDO:0013550, OMIM 614065.

Allele frequency attached by ClinVar (database versions not stated): ExAC 0.00003; gnomAD 0.00003 and 0.00004; TOPMed 0.00003; gnomAD exomes 0.00004; ESP Exome Variant Server 0.00008.
gnomAD v4.1: 79 of 1,613,610 alleles (0.0049%); highest among the groups gnomAD compares: Non-Finnish European, 0.0066%; no homozygotes.

Submissions (3):

Ambry Genetics
Classification: Uncertain significance for Cardiovascular phenotype. Last evaluated: 2025-06-10. Review status: criteria provided, single submitter. Criteria: Ambry Variant Classification Scheme 2023. Collection method: clinical testing. Allele origin: germline.
Comment: The p.V1335M variant (also known as c.4003G>A), located in coding exon 23 of the FLNC gene, results from a G to A substitution at nucleotide position 4003. The valine at codon 1335 is replaced by methionine, an amino acid with highly similar properties. This variant was reported in a frontotemporal dementia cohort in one sporadic case; however, no cardiac clinical details were provided (Janssens J et al. Acta Neuropathol Commun, 2015 Nov;3:68). This amino acid position is highly conserved in available vertebrate species. In addition, the in silico prediction for this alteration is inconclusive. Since supporting evidence is limited at this time, the clinical significance of this alteration remains unclear.

Labcorp Genetics (formerly Invitae), Labcorp
Classification: Uncertain significance for Distal myopathy with posterior leg and anterior hand involvement; Myofibrillar myopathy 5; Hypertrophic cardiomyopathy 26. Last evaluated: 2024-10-15. Review status: criteria provided, single submitter. Criteria: Invitae Variant Classification Sherloc (09022015). Collection method: clinical testing. Allele origin: germline.
Comment: This sequence change replaces valine, which is neutral and non-polar, with methionine, which is neutral and non-polar, at codon 1335 of the FLNC protein (p.Val1335Met). This variant is present in population databases (rs368220468, gnomAD 0.009%). This missense change has been observed in individual(s) with frontotemporal dementia (PMID: 26555887). ClinVar contains an entry for this variant (Variation ID: 839904). Invitae Evidence Modeling of protein sequence and biophysical properties (such as structural, functional, and spatial information, amino acid conservation, physicochemical variation, residue mobility, and thermodynamic stability) has been performed for this missense variant. However, the output from this modeling did not meet the statistical confidence thresholds required to predict the impact of this variant on FLNC protein function. In summary, the available evidence is currently insufficient to determine the role of this variant in disease. Therefore, it has been classified as a Variant of Uncertain Significance.

Revvity Omics, Revvity
Classification: Uncertain significance. Last evaluated: 2023-09-06. Review status: criteria provided, single submitter. Criteria: ACMG Guidelines, 2015. Collection method: clinical testing. Allele origin: germline.

Literature cited by the submitters: PubMed 26555887 (cited by Ambry Genetics and Labcorp Genetics (formerly Invitae), Labcorp).